The following is an entry in ClinVar:

ClinVar aggregate classification (germline): Uncertain significance (1 of 4 stars; one submission).

Conditions:
X-linked immunodeficiency with magnesium defect, Epstein-Barr virus infection and neoplasia. Identifiers: Orphanet 317476, MedGen C3275445, MONDO:0010455, OMIM 300853.

Allele frequency attached by ClinVar (database versions not stated): gnomAD exomes below 0.00001 and 0.00001.
gnomAD v4.1: 5 of 1,207,017 alleles (0.00041%); highest among the groups gnomAD compares: Non-Finnish European, 0.00056%; no homozygotes.

Submission:

Labcorp Genetics (formerly Invitae), Labcorp
Classification: Uncertain significance for X-linked immunodeficiency with magnesium defect, Epstein-Barr virus infection and neoplasia. Last evaluated: 2024-02-16. Review status: criteria provided, single submitter. Criteria: Invitae Variant Classification Sherloc (09022015). Collection method: clinical testing. Allele origin: germline.
Comment: This sequence change replaces tyrosine, which is neutral and polar, with cysteine, which is neutral and slightly polar, at codon 236 of the MAGT1 protein (p.Tyr236Cys). This variant is present in population databases (no rsID available, gnomAD 0.001%). This variant has not been reported in the literature in individuals affected with MAGT1-related conditions. ClinVar contains an entry for this variant (Variation ID: 1433720). Advanced modeling of protein sequence and biophysical properties (such as structural, functional, and spatial information, amino acid conservation, physicochemical variation, residue mobility, and thermodynamic stability) performed at Invitae indicates that this missense variant is expected to disrupt MAGT1 protein function with a positive predictive value of 80%. In summary, the available evidence is currently insufficient to determine the role of this variant in disease. Therefore, it has been classified as a Variant of Uncertain Significance.

NM_001367916.1(MAGT1):c.611A>G (p.Tyr204Cys)

Gene: MAGT1 (magnesium transporter 1; minus strand). Cytogenetic location: Xq21.1.
Variant type: single nucleotide variant.
Coding change: c.611A>G on transcript NM_001367916.1 (MANE Select); coding-DNA position 611, A replaced by G.
Protein change: p.Tyr204Cys; replaces tyrosine 204 with cysteine.
Molecular consequence: missense variant.
Genome position (GRCh38, 1-based): chrX:77,856,794, T>C on the plus strand (A>G on the coding strand, the complement: MAGT1 is on the minus strand). VCF-style: chrX-77856794-T-C. GRCh37 (hg19) VCF-style: chrX-77112291-T-C.
Other names: c.707A>G, p.Tyr236Cys (NM_032121.5); short protein forms Y236C, Y204C.
Identifiers: ClinVar variation 1433720 (VCV001433720.6), dbSNP rs1557216034, ClinGen allele CA413713719.